The following is an entry in ClinVar:

ClinVar aggregate classification (germline): Likely benign. Review status: criteria provided, multiple submitters, no conflicts (2 of 4 stars). 3 submissions from 3 submitters: Likely benign (3). Last evaluated 2023-03-01.

Allele frequency attached by ClinVar (database versions not stated): gnomAD 0.00066; gnomAD exomes 0.00066 and 0.00089; 1000 Genomes Project 30x 0.00078; 1000 Genomes Project 0.00080; TOPMed 0.00085; ExAC 0.00094; ESP Exome Variant Server 0.00095.
gnomAD v4.1: 1,068 of 1,613,126 alleles (0.066%); highest among the groups gnomAD compares: Middle Eastern, 0.97%; 2 homozygotes.

Submissions (3):

CeGaT Center for Human Genetics Tuebingen
Classification: Likely benign. Last evaluated: 2023-03-01. Review status: criteria provided, single submitter. Criteria: CeGaT Center For Human Genetics Tuebingen Variant Classification Criteria Version 2. Collection method: clinical testing. Allele origin: germline. Affected: yes. Observed: 1 variant allele.
Comment: BRD2: BP4, BP7

Labcorp Genetics (formerly Invitae), Labcorp
Classification: Likely benign. Last evaluated: 2019-12-31. Review status: criteria provided, single submitter. Criteria: Invitae Variant Classification Sherloc (09022015). Collection method: clinical testing. Allele origin: germline.

Breakthrough Genomics
Classification: Likely benign. Review status: criteria provided, single submitter. Criteria: ACMG Guidelines, 2015. Collection method: not provided. Allele origin: germline. Inheritance: Unknown mechanism. Affected: yes.

NM_005104.4(BRD2):c.1395C>T (p.Val465=)

Gene: BRD2 (bromodomain containing 2; plus strand). Cytogenetic location: 6p21.32.
Variant type: single nucleotide variant.
Coding change: c.1395C>T on transcript NM_005104.4 (MANE Select); coding-DNA position 1395, C replaced by T.
Protein change: p.Val465=; no amino-acid change (valine 465 retained).
Molecular consequence: synonymous variant.
Genome position (GRCh38, 1-based): chr6:32,977,822, C>T. VCF-style: chr6-32977822-C-T. GRCh37 (hg19) VCF-style: chr6-32945599-C-T.
Other names: c.1395C>T, p.Val465= (NM_001199455.1, NM_001113182.3); c.1254C>T, p.Val418= (NM_001199456.2); c.1035C>T, p.Val345= (NM_001291986.2).
Identifiers: ClinVar variation 716867 (VCV000716867.29), dbSNP rs145849910, ClinGen allele CA3748549.